The following is an entry in ClinVar:

NM_000304.4(PMP22):c.78+44C>T

Gene: PMP22 (peripheral myelin protein 22; minus strand). Cytogenetic location: 17p12.
Variant type: single nucleotide variant.
Coding change: c.78+44C>T on transcript NM_000304.4 (MANE Select); 44 bases into the intron after coding-DNA position 78, C replaced by T.
Molecular consequence: intron variant.
Genome position (GRCh38, 1-based): chr17:15,260,606, G>A on the plus strand (C>T on the coding strand, the complement: PMP22 is on the minus strand). VCF-style: chr17-15260606-G-A. GRCh37 (hg19) VCF-style: chr17-15163923-G-A.
Other names: c.78+44C>T (NM_001281456.2, NM_153321.3, NM_001281455.2 and 2 more transcripts).
Identifiers: ClinVar variation 674244 (VCV000674244.1), dbSNP rs115956895, ClinGen allele CA8403449.

ClinVar aggregate classification (germline): Likely benign (1 of 4 stars; one submission).

Allele frequency attached by ClinVar (database versions not stated): gnomAD exomes 0.00214; ExAC 0.00434; ESP Exome Variant Server 0.00899; gnomAD 0.01017 and 0.01083; TOPMed 0.01071; 1000 Genomes Project 0.01418; 1000 Genomes Project 30x 0.01421.
gnomAD v4.1: 2,798 of 1,494,038 alleles (0.19%); highest among the groups gnomAD compares: African/African-American, 3.5%; 46 homozygotes.

Submission:

GeneDx
Classification: Likely benign. Last evaluated: 2018-06-16. Review status: criteria provided, single submitter. Criteria: GeneDx Variant Classification (06012015). Collection method: clinical testing. Allele origin: germline. Affected: yes.
Comment: This variant is considered likely benign or benign based on one or more of the following criteria: it is a conservative change, it occurs at a poorly conserved position in the protein, it is predicted to be benign by multiple in silico algorithms, and/or has population frequency not consistent with disease.